The following is an entry in ClinVar:

ClinVar aggregate classification (germline): Likely benign (1 of 4 stars; one submission).

Allele frequency attached by ClinVar (database versions not stated): gnomAD exomes 0.00010; ExAC 0.00011; gnomAD 0.00011; TOPMed 0.00012; ESP Exome Variant Server 0.00019.
gnomAD v4.1: 124 of 1,207,157 alleles (0.01%); highest among the groups gnomAD compares: Middle Eastern, 0.16%; no homozygotes.

Submission:

CeGaT Center for Human Genetics Tuebingen
Classification: Likely benign. Last evaluated: 2023-03-01. Review status: criteria provided, single submitter. Criteria: CeGaT Center For Human Genetics Tuebingen Variant Classification Criteria Version 2. Collection method: clinical testing. Allele origin: germline. Affected: yes. Observed: 1 variant allele.
Comment: SLC38A5: BP4, BP7, BS2

NM_033518.4(SLC38A5):c.525C>A (p.Ile175=)

Gene: SLC38A5 (solute carrier family 38 member 5; minus strand). Cytogenetic location: Xp11.23.
Variant type: single nucleotide variant.
Coding change: c.525C>A on transcript NM_033518.4 (MANE Select); coding-DNA position 525, C replaced by A.
Protein change: p.Ile175=; no amino-acid change (isoleucine 175 retained).
Molecular consequence: synonymous variant.
Genome position (GRCh38, 1-based): chrX:48,462,947, G>T on the plus strand (C>A on the coding strand, the complement: SLC38A5 is on the minus strand). VCF-style: chrX-48462947-G-T. GRCh37 (hg19) VCF-style: chrX-48321332-G-T.
Identifiers: ClinVar variation 2660452 (VCV002660452.24), dbSNP rs148500225, ClinGen allele CA10402318.